The following is an entry in ClinVar:

ClinVar aggregate classification (germline): Uncertain significance (1 of 4 stars; one submission).

Conditions:
Familial thoracic aortic aneurysm and aortic dissection (TAAD). Also called: Thoracic aortic aneurysms and dissections. Identifiers: Orphanet 91387, MedGen C4707243, MONDO:0019625.

Submission:

Ambry Genetics
Classification: Uncertain significance for Familial thoracic aortic aneurysm and aortic dissection. Last evaluated: 2026-07-26. Review status: criteria provided, single submitter. Criteria: Ambry Variant Classification Scheme 2023. Collection method: clinical testing. Allele origin: germline.
Comment: The p.M2705V variant (also known as c.8113A>G), located in coding exon 64 of the FBN1 gene, results from an A to G substitution at nucleotide position 8113. The methionine at codon 2705 is replaced by valine, an amino acid with highly similar properties. This amino acid position is conserved. In addition, this alteration is predicted to be tolerated by in silico analysis. Based on the available evidence, the clinical significance of this variant remains unclear.

NM_000138.5(FBN1):c.8113A>G (p.Met2705Val)

Gene: FBN1 (fibrillin 1; minus strand). Cytogenetic location: 15q21.1.
Variant type: single nucleotide variant.
Coding change: c.8113A>G on transcript NM_000138.5 (MANE Select); coding-DNA position 8113, A replaced by G.
Protein change: p.Met2705Val; replaces methionine 2705 with valine.
Molecular consequence: missense variant.
Genome position (GRCh38, 1-based): chr15:48,412,682, T>C on the plus strand (A>G on the coding strand, the complement: FBN1 is on the minus strand). VCF-style: chr15-48412682-T-C. GRCh37 (hg19) VCF-style: chr15-48704879-T-C.
Other names: c.8113A>G, p.Met2705Val (NM_001406716.1); short protein forms M2705V.
Identifiers: ClinVar variation 5021592 (VCV005021592.1).
Genomic context (GRCh38, chr15:48,412,682, plus strand): 5'-TGGGGTAGCCATTGATCTTACACTCGTAACAAGCCTCTGGGGAGAGTGAATTGTCATCCA[T>C]TTCACCACTGACAGGTGGCTCTGGGTTTCCTCGGCCCATGCCCATTCCAGAAACACAGTG-3'
Protein context (NP_000129.3, residues 2695-2715): GNPEPPVSGE[Met2705Val]DDNSLSPEAC